The following is an entry in ClinVar:

ClinVar aggregate classification (germline): Uncertain significance (1 of 4 stars; one submission).

Allele frequency attached by ClinVar (database versions not stated): gnomAD exomes below 0.00001; gnomAD 0.00001.
gnomAD v4.1: 4 of 1,210,175 alleles (0.00033%); highest among the groups gnomAD compares: Admixed American, 0.0044%; no homozygotes.

Submission:

Labcorp Genetics (formerly Invitae), Labcorp
Classification: Uncertain significance. Last evaluated: 2022-04-07. Review status: criteria provided, single submitter. Criteria: Invitae Variant Classification Sherloc (09022015). Collection method: clinical testing. Allele origin: germline.
Comment: This sequence change replaces asparagine, which is neutral and polar, with serine, which is neutral and polar, at codon 970 of the NEXMIF protein (p.Asn970Ser). In summary, the available evidence is currently insufficient to determine the role of this variant in disease. Therefore, it has been classified as a Variant of Uncertain Significance. Algorithms developed to predict the effect of sequence changes on RNA splicing suggest that this variant may create or strengthen a splice site. Algorithms developed to predict the effect of missense changes on protein structure and function output the following: SIFT: "Tolerated"; PolyPhen-2: "Benign"; Align-GVGD: "Class C0". The serine amino acid residue is found in multiple mammalian species, which suggests that this missense change does not adversely affect protein function. This variant has not been reported in the literature in individuals affected with NEXMIF-related conditions. This variant is not present in population databases (gnomAD no frequency).

NM_001008537.3(NEXMIF):c.2909A>G (p.Asn970Ser)

Gene: NEXMIF (neurite extension and migration factor; minus strand). Cytogenetic location: Xq13.3.
Variant type: single nucleotide variant.
Coding change: c.2909A>G on transcript NM_001008537.3 (MANE Select); coding-DNA position 2909, A replaced by G.
Protein change: p.Asn970Ser; replaces asparagine 970 with serine.
Molecular consequence: missense variant.
Genome position (GRCh38, 1-based): chrX:74,741,648, T>C on the plus strand (A>G on the coding strand, the complement: NEXMIF is on the minus strand). VCF-style: chrX-74741648-T-C. GRCh37 (hg19) VCF-style: chrX-73961483-T-C.
Other names: short protein forms N970S.
Identifiers: ClinVar variation 1962441 (VCV001962441.5), dbSNP rs1556016404, ClinGen allele CA413667155.
Genomic context (GRCh38, chrX:74,741,648, plus strand): 5'-AGCCGACCATCATCCATATTGACTGGCCCCTGCTGGAAAGGAAAGCAGATCTCTCCATTA[T>C]TAAAGTGACATAATTGGTAAGAGTCATCAGATGGGAGTTGGGTATCTTGCATGGAGTCAT-3'
Protein context (NP_001008537.1, residues 960-980): SDDSYQLCHF[Asn970Ser]NGEICFPFQQ